The following is an entry in ClinVar:

ClinVar aggregate classification (germline): Uncertain significance (1 of 4 stars; one submission).

Conditions:
Charcot-Marie-Tooth disease dominant intermediate F. Identifiers: Orphanet 352670, MedGen C4749463, MONDO:0014074, OMIM 615185.

Submission:

Labcorp Genetics (formerly Invitae), Labcorp
Classification: Uncertain significance for Charcot-Marie-Tooth disease dominant intermediate F. Last evaluated: 2023-01-19. Review status: criteria provided, single submitter. Criteria: Invitae Variant Classification Sherloc (09022015). Collection method: clinical testing. Allele origin: germline.
Comment: In summary, the available evidence is currently insufficient to determine the role of this variant in disease. Therefore, it has been classified as a Variant of Uncertain Significance. Advanced modeling of protein sequence and biophysical properties (such as structural, functional, and spatial information, amino acid conservation, physicochemical variation, residue mobility, and thermodynamic stability) performed at Invitae indicates that this missense variant is expected to disrupt GNB4 protein function. This variant has not been reported in the literature in individuals affected with GNB4-related conditions. This variant is not present in population databases (gnomAD no frequency). This sequence change replaces cysteine, which is neutral and slightly polar, with tyrosine, which is neutral and polar, at codon 250 of the GNB4 protein (p.Cys250Tyr).

NM_021629.4(GNB4):c.749G>A (p.Cys250Tyr)

Gene: GNB4 (G protein subunit beta 4; minus strand). Cytogenetic location: 3q26.33.
Variant type: single nucleotide variant.
Coding change: c.749G>A on transcript NM_021629.4 (MANE Select); coding-DNA position 749, G replaced by A.
Protein change: p.Cys250Tyr; replaces cysteine 250 with tyrosine.
Molecular consequence: missense variant.
Genome position (GRCh38, 1-based): chr3:179,405,357, C>T on the plus strand (G>A on the coding strand, the complement: GNB4 is on the minus strand). VCF-style: chr3-179405357-C-T. GRCh37 (hg19) VCF-style: chr3-179123145-C-T.
Other names: short protein forms C250Y.
Identifiers: ClinVar variation 2822392 (VCV002822392.3), dbSNP rs2108580038, ClinGen allele CA355469111.